The following is an entry in ClinVar:

ClinVar aggregate classification (germline): Uncertain significance (1 of 4 stars; one submission).

Allele frequency attached by ClinVar (database versions not stated): gnomAD exomes below 0.00001.
gnomAD v4.1: 1 of 1,614,208 alleles (0.000062%); highest among the groups gnomAD compares: Middle Eastern, 0.017%; no homozygotes.

Submission:

CeGaT Center for Human Genetics Tuebingen
Classification: Uncertain significance. Last evaluated: 2024-02-01. Review status: criteria provided, single submitter. Criteria: CeGaT Center For Human Genetics Tuebingen Variant Classification Criteria Version 2. Collection method: clinical testing. Allele origin: germline. Affected: yes. Observed: 2 variant alleles.
Comment: TCF20: PM2, BP4

NM_001378418.1(TCF20):c.3854T>A (p.Leu1285His)

Gene: TCF20 (transcription factor 20; minus strand). Cytogenetic location: 22q13.2.
Variant type: single nucleotide variant.
Coding change: c.3854T>A on transcript NM_001378418.1 (MANE Select); coding-DNA position 3854, T replaced by A.
Protein change: p.Leu1285His; replaces leucine 1285 with histidine.
Molecular consequence: missense variant.
Genome position (GRCh38, 1-based): chr22:42,211,452, A>T on the plus strand (T>A on the coding strand, the complement: TCF20 is on the minus strand). VCF-style: chr22-42211452-A-T. GRCh37 (hg19) VCF-style: chr22-42607458-A-T.
Other names: c.3854T>A, p.Leu1285His (NM_005650.4, NM_181492.3); short protein forms L1285H.
Identifiers: ClinVar variation 2653246 (VCV002653246.24), dbSNP rs2518211877, ClinGen allele CA411785573.